The following is an entry in ClinVar:

ClinVar aggregate classification (germline): Uncertain significance (1 of 4 stars; one submission).

Conditions:
Tuberous sclerosis 1 (TSC1). Identifiers: Orphanet 805, MedGen C1854465, MONDO:0008612, OMIM 191100.

Submission:

Labcorp Genetics (formerly Invitae), Labcorp
Classification: Uncertain significance for Tuberous sclerosis 1. Last evaluated: 2020-02-02. Review status: criteria provided, single submitter. Criteria: Invitae Variant Classification Sherloc (09022015). Collection method: clinical testing. Allele origin: germline.
Comment: In summary, the available evidence is currently insufficient to determine the role of this variant in disease. Therefore, it has been classified as a Variant of Uncertain Significance. Experimental studies and prediction algorithms are not available for this variant, and the functional significance of this non-coding change is currently unknown. This variant has not been reported in the literature in individuals with TSC1-related conditions. This variant occurs in a non-coding region of the TSC1 gene. It does not change the encoded amino acid sequence of the TSC1 protein.

NC_000009.11:g.(?_135810420)_(135820530_?)dup

Gene: TSC1 (TSC complex subunit 1; minus strand). Cytogenetic location: 9q34.13.
Variant type: Duplication.
Identifiers: ClinVar variation 1064010 (VCV001064010.7).